The following is an entry in ClinVar:

NM_001270974.2(HYDIN):c.4195C>T (p.Leu1399=)

Gene: HYDIN (HYDIN axonemal central pair apparatus protein; minus strand). Cytogenetic location: 16q22.2.
Variant type: single nucleotide variant.
Coding change: c.4195C>T on transcript NM_001270974.2 (MANE Select); coding-DNA position 4195, C replaced by T.
Protein change: p.Leu1399=; no amino-acid change (leucine 1399 retained).
Molecular consequence: synonymous variant.
Genome position (GRCh38, 1-based): chr16:70,985,322, G>A on the plus strand (C>T on the coding strand, the complement: HYDIN is on the minus strand). VCF-style: chr16-70985322-G-A. GRCh37 (hg19) VCF-style: chr16-71019225-G-A.
Identifiers: ClinVar variation 3777774 (VCV003777774.8).

ClinVar aggregate classification (germline): Likely benign. Review status: criteria provided, multiple submitters, no conflicts (2 of 4 stars). 2 submissions from 2 submitters: Likely benign (2). Last evaluated 2026-09-01.

Submissions (2):

CeGaT Center for Human Genetics Tuebingen
Classification: Likely benign. Last evaluated: 2026-09-01. Review status: criteria provided, single submitter. Criteria: CeGaT Center For Human Genetics Tuebingen Variant Classification Criteria Version 2. Collection method: clinical testing. Allele origin: germline. Affected: yes. Observed: 4 variant alleles.
Comment: HYDIN: BP4, BP7

Blueprint Genetics
Classification: Likely benign. Last evaluated: 2024-11-19. Review status: criteria provided, single submitter. Criteria: ACMG Guidelines, 2015. Collection method: clinical testing. Allele origin: germline.